The following is an entry in ClinVar:

NM_206933.4(USH2A):c.5832dup (p.Ser1945fs)

Genes: USH2A (usherin; minus strand), USH2A-AS2 (USH2A antisense RNA 2; plus strand). Cytogenetic location: 1q41.
Variant type: Duplication.
Coding change: c.5832dup on transcript NM_206933.4 (MANE Select); coding-DNA position 5832, one base duplicated (G; older notation c.5832dupG).
Protein change: p.Ser1945fs; shifts the reading frame from serine 1945.
Molecular consequence: frameshift variant.
Genome position (GRCh38, 1-based): chr1:216,072,914, C duplicated on the plus strand (G on the coding strand, the reverse complement: USH2A is on the minus strand); the first of 2 consecutive C bases (chr1:216,072,914-216,072,915); duplicating either gives the same sequence. VCF-style (leftmost placement, unchanged base first): chr1-216072913-T-TC. GRCh37 (hg19) VCF-style: chr1-216246255-T-TC.
Other names: short protein forms S1945fs.
Identifiers: ClinVar variation 1074031 (VCV001074031.7), dbSNP rs2102548612, ClinGen allele CA2499214494.
Genomic context (GRCh38, chr1:216,072,913, plus strand): 5'-GTGTGTGCACATATGCATTTGAAGATAAGTATTTACCTGCTCCTGTTGTACGTCCTCGAC[T>TC]CCAATCACTATATACTGAACCTCCTTCATGCGAGGCTATCACTCGATACAGGTATTCTTA-3'

ClinVar aggregate classification (germline): Pathogenic (1 of 4 stars; one submission).

Submission:

Labcorp Genetics (formerly Invitae), Labcorp
Classification: Pathogenic. Last evaluated: 2020-02-06. Review status: criteria provided, single submitter. Criteria: Invitae Variant Classification Sherloc (09022015). Collection method: clinical testing. Allele origin: germline.
Comment: For these reasons, this variant has been classified as Pathogenic. Loss-of-function variants in USH2A are known to be pathogenic (PMID: 10729113, 10909849, 20507924, 25649381). This variant has not been reported in the literature in individuals with USH2A-related conditions. This variant is not present in population databases (ExAC no frequency). This sequence change creates a premature translational stop signal (p.Ser1945Glufs*28) in the USH2A gene. It is expected to result in an absent or disrupted protein product.

Literature cited by the submitters: PubMed 10729113; PubMed 10909849; PubMed 20507924; PubMed 25649381.